The following is an entry in ClinVar:

NM_002435.3(MPI):c.1239_1240del (p.Leu414fs)

Gene: MPI (mannose phosphate isomerase; plus strand). Cytogenetic location: 15q24.1.
Variant type: Deletion.
Coding change: c.1239_1240del on transcript NM_002435.3 (MANE Select); coding-DNA positions 1239 to 1240, 2 bases deleted (CC; older notation c.1239_1240delCC).
Protein change: p.Leu414fs; shifts the reading frame from leucine 414.
Molecular consequence: frameshift variant. On other transcripts: 3 prime UTR variant (1).
Genome position (GRCh38, 1-based): chr15:74,897,697-74,897,698, CC deleted. VCF-style (leftmost placement, unchanged base first): chr15-74897696-ACC-A. GRCh37 (hg19) VCF-style: chr15-75190037-ACC-A.
Other names: c.*166_*167del (NM_001289155.2); c.1089_1090del, p.Leu364fs (NM_001289156.2); c.1056_1057del, p.Leu353fs (NM_001289157.2); c.1179_1180del, p.Leu394fs (NM_001330372.2); short protein forms L353fs, L364fs, L394fs, L414fs.
Identifiers: ClinVar variation 4852649 (VCV004852649.2).

ClinVar aggregate classification (germline): Likely pathogenic (1 of 4 stars; one submission).

Submission:

Dasa
Classification: Likely pathogenic. Last evaluated: 2025-11-05. Review status: criteria provided, single submitter. Criteria: DASA Assertion Criteria. Collection method: clinical testing. Allele origin: germline.
Comment: NM_002435.3(MPI):c.1239_1240del (p.Leu414Alafs*24) is a frameshift variant in MPI predicted to alter the reading frame and introduce a premature termination codon and is predicted to result in an absent or altered protein product. Loss of function is an established disease mechanism for MPI-associated disorders. Also, this variant is absent from population databases. Based on the currently available evidence, this variant is classified as likely pathogenic.